The following is an entry in ClinVar:

NM_001165963.4(SCN1A):c.596C>T (p.Thr199Ile)

Gene: SCN1A (sodium voltage-gated channel alpha subunit 1; minus strand). Cytogenetic location: 2q24.3.
Variant type: single nucleotide variant.
Coding change: c.596C>T on transcript NM_001165963.4 (MANE Select); coding-DNA position 596, C replaced by T.
Protein change: p.Thr199Ile; replaces threonine 199 with isoleucine.
Molecular consequence: missense variant. On other transcripts: 5 prime UTR variant (1), non-coding transcript variant (1).
Genome position (GRCh38, 1-based): chr2:166,054,644, G>A on the plus strand (C>T on the coding strand, the complement: SCN1A is on the minus strand). VCF-style: chr2-166054644-G-A. GRCh37 (hg19) VCF-style: chr2-166911154-G-A.
Other names: c.596C>T, p.Thr199Ile (NM_001165964.3, NM_001202435.3, NM_001353948.2 and 10 more transcripts); c.-1830C>T (NM_001353961.2); short protein forms T199I.
Identifiers: ClinVar variation 430305 (VCV000430305.14), dbSNP rs121917983, ClinGen allele CA349075265.

ClinVar aggregate classification (germline): Conflicting classifications of pathogenicity. Review status: criteria provided, conflicting classifications (1 of 4 stars). 2 submissions from 2 submitters: Likely pathogenic (1); Uncertain significance (1). Last evaluated 2023-07-28.

Conditions:
Early-infantile DEE. Also called: Early infantile epileptic encephalopathy; Ohtahara syndrome; Early infantile epileptic encephalopathy with suppression bursts. Identifiers: Orphanet 1934, MedGen C0393706, MONDO:0800491.

Submissions (2):

GeneDx
Classification: Likely pathogenic. Last evaluated: 2023-07-28. Review status: criteria provided, single submitter. Criteria: GeneDx Variant Classification Process June 2021. Collection method: clinical testing. Allele origin: germline. Affected: yes.
Comment: Has not been previously published as pathogenic or benign to our knowledge; Not observed at significant frequency in large population cohorts (gnomAD); This substitution is predicted to be within the transmembrane segment S3 of the first homologous domain; In silico analysis supports that this missense variant does not alter protein structure/function; This variant is associated with the following publications: (PMID: 31589614)

Labcorp Genetics (formerly Invitae), Labcorp
Classification: Uncertain significance for Early-infantile DEE. Last evaluated: 2019-06-29. Review status: criteria provided, single submitter. Criteria: Invitae Variant Classification Sherloc (09022015). Collection method: clinical testing. Allele origin: germline.
Comment: Algorithms developed to predict the effect of missense changes on protein structure and function (SIFT, PolyPhen-2, Align-GVGD) all suggest that this variant is likely to be tolerated, but these predictions have not been confirmed by published functional studies and their clinical significance is uncertain. In summary, the available evidence is currently insufficient to determine the role of this variant in disease. Therefore, it has been classified as a Variant of Uncertain Significance. This variant has been observed in a family affected with epilepsy (Invitae). ClinVar contains an entry for this variant (Variation ID: 430305). This variant is not present in population databases (ExAC no frequency). This sequence change replaces threonine with isoleucine at codon 199 of the SCN1A protein (p.Thr199Ile). The threonine residue is highly conserved and there is a moderate physicochemical difference between threonine and isoleucine.